The following is an entry in ClinVar:

NM_001130009.3(GEN1):c.2093T>C (p.Leu698Ser)

Gene: GEN1 (GEN1 structure-specific endonuclease; plus strand). Cytogenetic location: 2p24.2.
Variant type: single nucleotide variant.
Coding change: c.2093T>C on transcript NM_001130009.3 (MANE Select); coding-DNA position 2093, T replaced by C.
Protein change: p.Leu698Ser; replaces leucine 698 with serine.
Molecular consequence: missense variant.
Genome position (GRCh38, 1-based): chr2:17,781,305, T>C. VCF-style: chr2-17781305-T-C. GRCh37 (hg19) VCF-style: chr2-17962572-T-C.
Other names: c.2093T>C, p.Leu698Ser (NM_182625.5); short protein forms L698S.
Identifiers: ClinVar variation 4857988 (VCV004857988.1).
Genomic context (GRCh38, chr2:17,781,305, plus strand): 5'-TATTTACAAAATTATCATATCCTCAGGATAATCTACAACCAGATGTCAACCTGAAAACTT[T>C]GTCCATACTTAGTGTAAAAGAATCTTGTATTGCTAACAGTGGTTCTGATTGTACATCACA-3'
Protein context (NP_001123481.3, residues 688-708): NLQPDVNLKT[Leu698Ser]SILSVKESCI

ClinVar aggregate classification (germline): Uncertain significance (1 of 4 stars; one submission).

Submission:

Ambry Genetics
Classification: Uncertain significance. Last evaluated: 2026-05-19. Review status: criteria provided, single submitter. Criteria: Ambry Variant Classification Scheme 2023. Collection method: clinical testing. Allele origin: germline.
Comment: The p.L698S variant (also known as c.2093T>C), located in coding exon 13 of the GEN1 gene, results from a T to C substitution at nucleotide position 2093. The leucine at codon 698 is replaced by serine, an amino acid with dissimilar properties. This amino acid position is conserved. In addition, this alteration is predicted to be tolerated by in silico analysis. Based on the available evidence, the clinical significance of this variant remains unclear.